The following is an entry in ClinVar:

ClinVar aggregate classification (germline): Conflicting classifications of pathogenicity. Review status: criteria provided, conflicting classifications (1 of 4 stars). 8 submissions from 8 submitters: Uncertain significance (1); Benign (1); Likely benign (5). 1 of the submissions does not count toward it. Last evaluated 2026-04-17.

Conditions:
POLD1-related polyposis and colorectal cancer syndrome (CRCS10). Also called: COLORECTAL CANCER, SUSCEPTIBILITY TO, ON CHROMOSOME 19q; Colorectal cancer 10; Colorectal cancer, susceptibility to, 10. Identifiers: Orphanet 220460, MedGen C2675481, MONDO:0012953, OMIM 612591.
POLD1-related disorder. Also called: POLD1-related condition; POLD1-related disorders.
Hereditary cancer-predisposing syndrome. Also called: Hereditary Cancer Syndrome; Neoplastic Syndromes, Hereditary; Hereditary neoplastic syndrome; Tumor predisposition. Identifiers: Orphanet 140162, MedGen C0027672, MeSH D009386, MONDO:0015356.

Allele frequency attached by ClinVar (database versions not stated): TOPMed 0.00029; ESP Exome Variant Server 0.00046.
gnomAD v4.1: 87 of 1,612,894 alleles (0.0054%); highest among the groups gnomAD compares: African/African-American, 0.092%; no homozygotes.

Submissions (8):

Women's Health and Genetics/Laboratory Corporation of America, LabCorp
Classification: Likely benign. Last evaluated: 2026-04-17. Review status: criteria provided, single submitter. Criteria: LabCorp Variant Classification Summary - May 2015. Collection method: clinical testing. Allele origin: germline.
Comment: Variant summary: POLD1 c.208G>A (p.Val70Ile) results in a conservative amino acid change in the encoded protein sequence. Algorithms developed to predict the effect of missense changes on protein structure and function all suggest that this variant is likely to be tolerated. The variant allele was found at a frequency of 9.2e-05 in 251112 control chromosomes, predominantly at a frequency of 0.0014 within the African or African-American subpopulation in the gnomAD database. The observed variant frequency within African or African-American control individuals in the gnomAD database exceeds the estimated maximal expected allele frequency for disease-causing variants in POLD1. To our knowledge, no experimental evidence demonstrating its impact on protein function have been reported. ClinVar contains an entry for this variant (Variation ID: 239270). Based on the evidence outlined above, the variant was classified as likely benign.

Labcorp Genetics (formerly Invitae), Labcorp
Classification: Likely benign for POLD1-related polyposis and colorectal cancer syndrome. Last evaluated: 2026-01-27. Review status: criteria provided, single submitter. Criteria: Invitae Variant Classification Sherloc (09022015). Collection method: clinical testing. Allele origin: germline.

Center for Genomic Medicine, Rigshospitalet, Copenhagen University Hospital
Classification: Uncertain significance. Last evaluated: 2025-03-04. Review status: criteria provided, single submitter. Criteria: ACMG Guidelines, 2015. Collection method: clinical testing. Allele origin: germline.

Blueprint Genetics
Classification: Likely benign. Last evaluated: 2024-11-13. Review status: criteria provided, single submitter. Criteria: ACMG Guidelines, 2015. Collection method: clinical testing. Allele origin: germline.

Ambry Genetics
Classification: Benign for Hereditary cancer-predisposing syndrome. Last evaluated: 2024-06-26. Review status: criteria provided, single submitter. Criteria: Ambry Variant Classification Scheme 2023. Collection method: clinical testing. Allele origin: germline.

GeneDx
Classification: Likely benign. Last evaluated: 2019-12-18. Review status: criteria provided, single submitter. Criteria: GeneDx Variant Classification Process June 2021. Collection method: clinical testing. Allele origin: germline. Affected: yes.
Comment: In silico analysis, which includes protein predictors and evolutionary conservation, supports that this variant does not alter protein structure/function; Has not been previously published as pathogenic or benign to our knowledge

Quest Diagnostics Nichols Institute San Juan Capistrano
Classification: Likely benign. Last evaluated: 2016-12-02. Review status: criteria provided, single submitter. Criteria: Quest Diagnostics criteria. Collection method: clinical testing. Allele origin: germline.

PreventionGenetics, part of Exact Sciences
Classification: Likely benign for POLD1-related condition. Last evaluated: 2022-02-15. Review status: no assertion criteria provided. Collection method: clinical testing. Allele origin: germline. Not counted in ClinVar's aggregate classification.
Comment: This variant is classified as likely benign based on ACMG/AMP sequence variant interpretation guidelines (Richards et al. 2015 PMID: 25741868, with internal and published modifications).

NM_002691.4(POLD1):c.208G>A (p.Val70Ile)

Gene: POLD1 (DNA polymerase delta 1, catalytic subunit; plus strand). Cytogenetic location: 19q13.33.
Variant type: single nucleotide variant.
Coding change: c.208G>A on transcript NM_002691.4 (MANE Select); coding-DNA position 208, G replaced by A.
Protein change: p.Val70Ile; replaces valine 70 with isoleucine.
Molecular consequence: missense variant. On other transcripts: non-coding transcript variant (1).
Genome position (GRCh38, 1-based): chr19:50,399,376, G>A. VCF-style: chr19-50399376-G-A. GRCh37 (hg19) VCF-style: chr19-50902633-G-A.
Other names: c.208G>A, p.Val70Ile (NM_001256849.1, NM_001308632.1); c.208G>A (NM_002691.2); short protein forms V70I.
Identifiers: ClinVar variation 239270 (VCV000239270.26), dbSNP rs147911699, ClinGen allele CA9595652.